The following is an entry in ClinVar:

NM_002529.4(NTRK1):c.422A>C (p.Gln141Pro)

Gene: NTRK1 (neurotrophic receptor tyrosine kinase 1; plus strand). Cytogenetic location: 1q23.1.
Variant type: single nucleotide variant.
Coding change: c.422A>C on transcript NM_002529.4 (MANE Select); coding-DNA position 422, A replaced by C.
Protein change: p.Gln141Pro; replaces glutamine 141 with proline.
Molecular consequence: missense variant.
Genome position (GRCh38, 1-based): chr1:156,866,972, A>C. VCF-style: chr1-156866972-A-C. GRCh37 (hg19) VCF-style: chr1-156836764-A-C.
Other names: c.332A>C, p.Gln111Pro (NM_001007792.1); c.422A>C, p.Gln141Pro (NM_001012331.2); short protein forms Q111P, Q141P.
Identifiers: ClinVar variation 584596 (VCV000584596.11), dbSNP rs1306924167, ClinGen allele CA342933323.

ClinVar aggregate classification (germline): Uncertain significance. Review status: criteria provided, multiple submitters, no conflicts (2 of 4 stars). 3 submissions from 3 submitters: Uncertain significance (3). Last evaluated 2023-04-11.

Conditions:
Familial medullary thyroid carcinoma (MTC). Also called: Thyroid cancer, familial medullary; MTC, familial; Familial Medullary Thyroid Carcinoma (FMTC). Identifiers: Orphanet 653, Orphanet 99361, MedGen C1833921, MONDO:0007958, OMIM 155240.
Hereditary insensitivity to pain with anhidrosis (CIPA). Also called: INSENSITIVITY TO PAIN, CONGENITAL, WITH ANHIDROSIS; HSAN Type IV; NTRK1 Congenital Insensitivity to Pain with Anhidrosis; FAMILIAL DYSAUTONOMIA, TYPE II; NEUROPATHY, CONGENITAL SENSORY, WITH ANHIDROSIS; hereditary sensory and autonomic neuropathy type 4. Identifiers: Orphanet 642, MedGen C0020074, MONDO:0009746, OMIM 256800.

Allele frequency attached by ClinVar (database versions not stated): gnomAD 0.00001.
gnomAD v4.1: 1 of 1,614,120 alleles (0.000062%); no homozygotes.

Submissions (3):

Genome-Nilou Lab
Classification: Uncertain significance for Hereditary insensitivity to pain with anhidrosis. Last evaluated: 2023-04-11. Review status: criteria provided, single submitter. Criteria: ACMG Guidelines, 2015. Collection method: clinical testing. Allele origin: germline. Affected: no.

Labcorp Genetics (formerly Invitae), Labcorp
Classification: Uncertain significance for Hereditary insensitivity to pain with anhidrosis. Last evaluated: 2020-09-24. Review status: criteria provided, single submitter. Criteria: Invitae Variant Classification Sherloc (09022015). Collection method: clinical testing. Allele origin: germline.
Comment: Advanced modeling of protein sequence and biophysical properties (such as structural, functional, and spatial information, amino acid conservation, physicochemical variation, residue mobility, and thermodynamic stability) performed at Invitae indicates that this missense variant is not expected to disrupt NTRK1 protein function. This variant has not been reported in the literature in individuals with NTRK1-related conditions. ClinVar contains an entry for this variant (Variation ID: 584596). This variant is not present in population databases (ExAC no frequency). This sequence change replaces glutamine with proline at codon 141 of the NTRK1 protein (p.Gln141Pro). The glutamine residue is highly conserved and there is a moderate physicochemical difference between glutamine and proline. In summary, the available evidence is currently insufficient to determine the role of this variant in disease. Therefore, it has been classified as a Variant of Uncertain Significance.

Mendelics
Classification: Uncertain significance for Familial medullary thyroid carcinoma. Last evaluated: 2018-07-02. Review status: criteria provided, single submitter. Criteria: Mendelics Assertion Criteria 2017. Collection method: clinical testing. Allele origin: unknown.